The following is an entry in ClinVar:

NM_020717.5(SHROOM4):c.1649C>T (p.Thr550Ile)

Gene: SHROOM4 (shroom family member 4; minus strand). Cytogenetic location: Xp11.22.
Variant type: single nucleotide variant.
Coding change: c.1649C>T on transcript NM_020717.5 (MANE Select); coding-DNA position 1649, C replaced by T.
Protein change: p.Thr550Ile; replaces threonine 550 with isoleucine.
Molecular consequence: missense variant. On other transcripts: non-coding transcript variant (4).
Genome position (GRCh38, 1-based): chrX:50,634,424, G>A on the plus strand (C>T on the coding strand, the complement: SHROOM4 is on the minus strand). VCF-style: chrX-50634424-G-A. GRCh37 (hg19) VCF-style: chrX-50377424-G-A.
Other names: short protein forms T550I.
Identifiers: ClinVar variation 3906106 (VCV003906106.10).

ClinVar aggregate classification (germline): Uncertain significance (1 of 4 stars; one submission).

gnomAD v4.1: 1 of 1,211,542 alleles (0.000083%); no homozygotes.

Submission:

CeGaT Center for Human Genetics Tuebingen
Classification: Uncertain significance. Last evaluated: 2025-06-01. Review status: criteria provided, single submitter. Criteria: CeGaT Center For Human Genetics Tuebingen Variant Classification Criteria Version 2. Collection method: clinical testing. Allele origin: germline. Affected: yes. Observed: 1 variant allele.
Comment: SHROOM4: PM2, BP4